The following is an entry in ClinVar:

NM_001365999.1(SZT2):c.7100T>A (p.Ile2367Asn)

Gene: SZT2 (SZT2 subunit of KICSTOR complex; plus strand). Cytogenetic location: 1p34.2.
Variant type: single nucleotide variant.
Coding change: c.7100T>A on transcript NM_001365999.1 (MANE Select); coding-DNA position 7100, T replaced by A.
Protein change: p.Ile2367Asn; replaces isoleucine 2367 with asparagine.
Molecular consequence: missense variant.
Genome position (GRCh38, 1-based): chr1:43,439,938, T>A. VCF-style: chr1-43439938-T-A. GRCh37 (hg19) VCF-style: chr1-43905609-T-A.
Other names: c.6929T>A, p.Ile2310Asn (NM_015284.4); short protein forms I2367N, I2310N.
Identifiers: ClinVar variation 1369198 (VCV001369198.6), dbSNP rs760511256, ClinGen allele CA340033355.

ClinVar aggregate classification (germline): Uncertain significance (1 of 4 stars; one submission).

gnomAD v4.1: 2 of 1,613,668 alleles (0.00012%); highest among the groups gnomAD compares: Non-Finnish European, 0.00017%; no homozygotes.

Submission:

Labcorp Genetics (formerly Invitae), Labcorp
Classification: Uncertain significance. Last evaluated: 2021-12-02. Review status: criteria provided, single submitter. Criteria: Invitae Variant Classification Sherloc (09022015). Collection method: clinical testing. Allele origin: germline.
Comment: In summary, the available evidence is currently insufficient to determine the role of this variant in disease. Therefore, it has been classified as a Variant of Uncertain Significance. Algorithms developed to predict the effect of missense changes on protein structure and function (SIFT, PolyPhen-2, Align-GVGD) all suggest that this variant is likely to be tolerated. This variant has not been reported in the literature in individuals affected with SZT2-related conditions. This variant is present in population databases (no rsID available, gnomAD 0.02%). This sequence change replaces isoleucine, which is neutral and non-polar, with asparagine, which is neutral and polar, at codon 2310 of the SZT2 protein (p.Ile2310Asn).